The following is an entry in ClinVar:

ClinVar aggregate classification (germline): Uncertain significance. Review status: criteria provided, multiple submitters, no conflicts (2 of 4 stars). 2 submissions from 2 submitters: Uncertain significance (2). Last evaluated 2024-08-05.

Allele frequency attached by ClinVar (database versions not stated): gnomAD exomes below 0.00001; TOPMed 0.00001.

Submissions (2):

Labcorp Genetics (formerly Invitae), Labcorp
Classification: Uncertain significance. Last evaluated: 2024-08-05. Review status: criteria provided, single submitter. Criteria: Invitae Variant Classification Sherloc (09022015). Collection method: clinical testing. Allele origin: germline.
Comment: This sequence change replaces histidine, which is basic and polar, with tyrosine, which is neutral and polar, at codon 218 of the GUCY2C protein (p.His218Tyr). This variant is not present in population databases (gnomAD no frequency). This variant has not been reported in the literature in individuals affected with GUCY2C-related conditions. ClinVar contains an entry for this variant (Variation ID: 1308574). Advanced modeling of protein sequence and biophysical properties (such as structural, functional, and spatial information, amino acid conservation, physicochemical variation, residue mobility, and thermodynamic stability) performed at Invitae indicates that this missense variant is not expected to disrupt GUCY2C protein function with a negative predictive value of 80%. In summary, the available evidence is currently insufficient to determine the role of this variant in disease. Therefore, it has been classified as a Variant of Uncertain Significance.

GeneDx
Classification: Uncertain significance. Last evaluated: 2019-04-05. Review status: criteria provided, single submitter. Criteria: GeneDx Variant Classification Process June 2021. Collection method: clinical testing. Allele origin: germline. Affected: yes.
Comment: Not observed in large population cohorts (Lek et al., 2016); In silico analysis, which includes protein predictors and evolutionary conservation, supports that this variant does not alter protein structure/function; Has not been previously published as pathogenic or benign to our knowledge

NM_004963.4(GUCY2C):c.652C>T (p.His218Tyr)

Genes: GUCY2C (guanylate cyclase 2C; minus strand), GUCY2C-AS1 (GUCY2C antisense RNA 1; plus strand). Cytogenetic location: 12p12.3.
Variant type: single nucleotide variant.
Coding change: c.652C>T on transcript NM_004963.4 (MANE Select); coding-DNA position 652, C replaced by T.
Protein change: p.His218Tyr; replaces histidine 218 with tyrosine.
Molecular consequence: missense variant.
Genome position (GRCh38, 1-based): chr12:14,681,437, G>A on the plus strand (C>T on the coding strand, the complement: GUCY2C is on the minus strand). VCF-style: chr12-14681437-G-A. GRCh37 (hg19) VCF-style: chr12-14834371-G-A.
Other names: short protein forms H218Y.
Identifiers: ClinVar variation 1308574 (VCV001308574.5), dbSNP rs1189050334, ClinGen allele CA384005957.
Genomic context (GRCh38, chr12:14,681,437, plus strand): 5'-CCATTAAGATATCCTGAAACTCCTTATCTTGTCTTAACACCACCTTAAAGCCGAGTTCGT[G>A]GGAGAAATAGGAAACGCTAGCCTCCAGAGCATTAAGGTACCTGGAATAGGAAAAAGAGAA-3'
Protein context (NP_004954.2, residues 208-228): ALEASVSYFS[His218Tyr]ELGFKVVLRQ